The following is an entry in ClinVar:

ClinVar aggregate classification (germline): Uncertain significance (1 of 4 stars; one submission).

Submission:

GeneDx
Classification: Uncertain significance. Last evaluated: 2026-02-04. Review status: criteria provided, single submitter. Criteria: GeneDx Variant Classification Process June 2021. Collection method: clinical testing. Allele origin: germline.
Comment: Not observed at significant frequency in large population cohorts (gnomAD); In silico analysis suggests that this missense variant does not alter protein structure/function; Has not been previously published as pathogenic or benign to our knowledge

NM_021224.6(ZNF462):c.6277A>G (p.Met2093Val)

Gene: ZNF462 (zinc finger protein 462; plus strand). Cytogenetic location: 9q31.2.
Variant type: single nucleotide variant.
Coding change: c.6277A>G on transcript NM_021224.6 (MANE Select); coding-DNA position 6277, A replaced by G.
Protein change: p.Met2093Val; replaces methionine 2093 with valine.
Molecular consequence: missense variant.
Genome position (GRCh38, 1-based): chr9:106,938,957, A>G. VCF-style: chr9-106938957-A-G. GRCh37 (hg19) VCF-style: chr9-109701238-A-G.
Other names: c.3682A>G, p.Met1228Val (NM_001347997.2); short protein forms M1228V, M2093V.
Identifiers: ClinVar variation 4976203 (VCV004976203.1).